The following is an entry in ClinVar:

NM_006231.4(POLE):c.3747G>A (p.Val1249=)

Gene: POLE (DNA polymerase epsilon, catalytic subunit; minus strand). Cytogenetic location: 12q24.33.
Variant type: single nucleotide variant.
Coding change: c.3747G>A on transcript NM_006231.4 (MANE Select); coding-DNA position 3747, G replaced by A.
Protein change: p.Val1249=; no amino-acid change (valine 1249 retained).
Molecular consequence: synonymous variant.
Genome position (GRCh38, 1-based): chr12:132,649,725, C>T on the plus strand (G>A on the coding strand, the complement: POLE is on the minus strand). VCF-style: chr12-132649725-C-T. GRCh37 (hg19) VCF-style: chr12-133226311-C-T.
Identifiers: ClinVar variation 240477 (VCV000240477.29), dbSNP rs80290414, ClinGen allele CA6893121.

ClinVar aggregate classification (germline): Benign/Likely benign. Review status: criteria provided, multiple submitters, no conflicts (2 of 4 stars). 9 submissions from 9 submitters: Benign (4); Likely benign (5). Last evaluated 2026-01-21.

Conditions:
Polymerase proofreading-related adenomatous polyposis. Also called: Polymerase proofreading associated polyposis; Polymerase proofreading–associated polyposis (PPAP). Identifiers: Orphanet 447877, MedGen C5202613, MONDO:0018653.
Hereditary cancer-predisposing syndrome. Also called: Tumor predisposition; Hereditary Cancer Syndrome; Neoplastic Syndromes, Hereditary; Hereditary neoplastic syndrome. Identifiers: Orphanet 140162, MedGen C0027672, MeSH D009386, MONDO:0015356.

Allele frequency attached by ClinVar (database versions not stated): gnomAD exomes 0.00023; ExAC 0.00031; gnomAD 0.00080; TOPMed 0.00088; ESP Exome Variant Server 0.00115; 1000 Genomes Project 0.00120; 1000 Genomes Project 30x 0.00141.
gnomAD v4.1: 226 of 1,614,190 alleles (0.014%); highest among the groups gnomAD compares: African/African-American, 0.29%; no homozygotes.

Submissions (9):

Labcorp Genetics (formerly Invitae), Labcorp
Classification: Benign. Last evaluated: 2026-01-21. Review status: criteria provided, single submitter. Criteria: Invitae Variant Classification Sherloc (09022015). Collection method: clinical testing. Allele origin: germline.

CeGaT Center for Human Genetics Tuebingen
Classification: Likely benign. Last evaluated: 2025-11-01. Review status: criteria provided, single submitter. Criteria: CeGaT Center For Human Genetics Tuebingen Variant Classification Criteria Version 2. Collection method: clinical testing. Allele origin: germline. Affected: yes. Observed: 1 variant allele.
Comment: POLE: BP4, BP7

Blueprint Genetics
Classification: Likely benign. Last evaluated: 2024-11-25. Review status: criteria provided, single submitter. Criteria: ACMG Guidelines, 2015. Collection method: clinical testing. Allele origin: germline.

Department of Pathology and Laboratory Medicine, Sinai Health System
Classification: Likely benign for Polymerase proofreading-related adenomatous polyposis. Last evaluated: 2023-10-03. Review status: criteria provided, single submitter. Criteria: ACMG Guidelines, 2015. Collection method: clinical testing. Allele origin: germline. Affected: yes.

GeneDx
Classification: Likely benign. Last evaluated: 2021-06-11. Review status: criteria provided, single submitter. Criteria: GeneDx Variant Classification Process June 2021. Collection method: clinical testing. Allele origin: germline. Affected: yes.

Sema4
Classification: Benign for Hereditary cancer-predisposing syndrome. Last evaluated: 2020-12-16. Review status: criteria provided, single submitter. Criteria: Sema4 Curation Guidelines. Collection method: curation. Allele origin: germline.

Quest Diagnostics Nichols Institute San Juan Capistrano
Classification: Benign. Last evaluated: 2019-08-10. Review status: criteria provided, single submitter. Criteria: Quest Diagnostics criteria. Collection method: clinical testing. Allele origin: germline.

Women's Health and Genetics/Laboratory Corporation of America, LabCorp
Classification: Benign. Last evaluated: 2019-01-02. Review status: criteria provided, single submitter. Criteria: LabCorp Variant Classification Summary - May 2015. Collection method: clinical testing. Allele origin: germline.
Comment: Variant summary: The variant, POLE c.3747G>A alters a non-conserved nucleotide resulting in a synonymous change. 5/5 computational tools predict no significant impact on normal splicing. However, these predictions have yet to be confirmed by functional studies. The variant allele was found at a frequency of 0.00028 in 277050 control chromosomes, predominantly within the African subpopulation at a frequency of 0.0032 in the gnomAD database. The observed variant frequency within African control individuals in the gnomAD database is approximately 225 fold of the estimated maximal expected allele frequency for a pathogenic variant in POLE causing Colorectal Cancer phenotype (1.4e-05), strongly suggesting that the variant is a benign polymorphism found primarily in populations of African origin. To our knowledge, no occurrence of c.3747G>A in individuals affected with Colorectal Cancer and no experimental evidence demonstrating its impact on protein function have been reported. Four clinical diagnostic laboratories have submitted clinical-significance assessments for this variant to ClinVar after 2014 without evidence for independent evaluation. All laboratories classified the variant as benign (x1) or likely benign (X3). Based on the evidence outlined above, the variant was classified as benign.

Ambry Genetics
Classification: Likely benign for Hereditary cancer-predisposing syndrome. Last evaluated: 2015-06-26. Review status: criteria provided, single submitter. Criteria: Ambry Variant Classification Scheme 2023. Collection method: clinical testing. Allele origin: germline.